The following is an entry in ClinVar:

NM_001851.6(COL9A1):c.101A>G (p.Asn34Ser)

Gene: COL9A1 (collagen type IX alpha 1 chain; minus strand). Cytogenetic location: 6q13.
Variant type: single nucleotide variant.
Coding change: c.101A>G on transcript NM_001851.6 (MANE Select); coding-DNA position 101, A replaced by G.
Protein change: p.Asn34Ser; replaces asparagine 34 with serine.
Molecular consequence: missense variant.
Genome position (GRCh38, 1-based): chr6:70,300,374, T>C on the plus strand (A>G on the coding strand, the complement: COL9A1 is on the minus strand). VCF-style: chr6-70300374-T-C. GRCh37 (hg19) VCF-style: chr6-71010077-T-C.
Other names: c.101A>G, p.Asn34Ser (NM_001377291.1); short protein forms N34S.
Identifiers: ClinVar variation 1426348 (VCV001426348.6), dbSNP rs919833388, ClinGen allele CA140828780.

ClinVar aggregate classification (germline): Uncertain significance (1 of 4 stars; one submission).

Allele frequency attached by ClinVar (database versions not stated): TOPMed below 0.00001.

Submission:

Labcorp Genetics (formerly Invitae), Labcorp
Classification: Uncertain significance. Last evaluated: 2021-12-19. Review status: criteria provided, single submitter. Criteria: Invitae Variant Classification Sherloc (09022015). Collection method: clinical testing. Allele origin: germline.
Comment: This sequence change replaces asparagine, which is neutral and polar, with serine, which is neutral and polar, at codon 34 of the COL9A1 protein (p.Asn34Ser). This variant is not present in population databases (gnomAD no frequency). This variant has not been reported in the literature in individuals affected with COL9A1-related conditions. Advanced modeling of protein sequence and biophysical properties (such as structural, functional, and spatial information, amino acid conservation, physicochemical variation, residue mobility, and thermodynamic stability) performed at Invitae indicates that this missense variant is not expected to disrupt COL9A1 protein function. Algorithms developed to predict the effect of sequence changes on RNA splicing suggest that this variant may create or strengthen a splice site. In summary, the available evidence is currently insufficient to determine the role of this variant in disease. Therefore, it has been classified as a Variant of Uncertain Significance.